The following is an entry in ClinVar:

ClinVar aggregate classification (germline): Likely benign (1 of 4 stars; one submission).

Conditions:
Familial intrahepatic cholestasis. Identifiers: Orphanet 284385, MedGen CN296401, MONDO:0017290.
Low phospholipid associated cholelithiasis (GBD1). Also called: Gallbladder disease 1; Gallstone cholecystitis. Identifiers: Orphanet 69663, MedGen C2609268, MONDO:0010939, OMIM 600803.

gnomAD v4.1: 4 of 1,613,922 alleles (0.00025%); highest among the groups gnomAD compares: Non-Finnish European, 0.00034%; no homozygotes.

Submission:

Genomenon, Inc
Classification: Likely benign for Familial intrahepatic cholestasis; Low phospholipid associated cholelithiasis. Last evaluated: 2026-04-14. Review status: criteria provided, single submitter. Criteria: Genomenon Sequence Variant Interpretation Standards - Updated. Collection method: curation. Allele origin: germline. Affected: no.
Comment: ABCB4 c.351A>T is a synonymous variant that retains Alanine at residue 117. This variant has been reported in the published literature (PMID:19467940). It is absent or not present at a significant frequency in gnomAD. This synonymous variant is not predicted to impact splicing. In conclusion, we classify ABCB4 p.Ala117= (c.351A>T) as a likely benign variant.

Literature cited by the submitters: PubMed 19467940.

NM_000443.4(ABCB4):c.351A>T (p.Ala117=)

Gene: ABCB4 (ATP binding cassette subfamily B member 4; minus strand). Cytogenetic location: 7q21.12.
Variant type: single nucleotide variant.
Coding change: c.351A>T on transcript NM_000443.4 (MANE Select); coding-DNA position 351, A replaced by T.
Protein change: p.Ala117=; no amino-acid change (alanine 117 retained).
Molecular consequence: synonymous variant.
Genome position (GRCh38, 1-based): chr7:87,453,129, T>A on the plus strand (A>T on the coding strand, the complement: ABCB4 is on the minus strand). VCF-style: chr7-87453129-T-A. GRCh37 (hg19) VCF-style: chr7-87082445-T-A.
Other names: c.351A>T, p.Ala117= (NM_018849.3, NM_018850.3).
Identifiers: ClinVar variation 4846386 (VCV004846386.1).
Genomic context (GRCh38, chr7:87,453,129, plus strand): 5'-AAATGAAACTTGTATATAGGCAGCAACAAGAACTCCAGCACCCAATCCTGAGTAGTAATA[T>A]GCATATCTGAAAAAAAAGAGAAAGGCTCTATTAAATACCTTCTCTTTTCTTTTTTCTTTT-3'
Protein context (NP_000434.1, residues 107-127): KILEEEMTRY[Ala117=]YYYSGLGAGV